The following is an entry in ClinVar:

ClinVar aggregate classification (germline): Uncertain significance (1 of 4 stars; one submission).

Conditions:
Inborn genetic diseases. Identifiers: MedGen C0950123, MeSH D030342.

Submission:

Ambry Genetics
Classification: Uncertain significance for Inborn genetic diseases. Last evaluated: 2025-11-29. Review status: criteria provided, single submitter. Criteria: Ambry Variant Classification Scheme 2023. Collection method: clinical testing. Allele origin: germline.
Comment: The p.K629T variant (also known as c.1886A>C), located in coding exon 15 of the BUB1B gene, results from an A to C substitution at nucleotide position 1886. The lysine at codon 629 is replaced by threonine, an amino acid with similar properties. This amino acid position is conserved. In addition, this alteration is predicted to be tolerated by in silico analysis. Based on the available evidence, the clinical significance of this variant remains unclear.

NM_001211.6(BUB1B):c.1886A>C (p.Lys629Thr)

Gene: BUB1B (BUB1 mitotic checkpoint serine/threonine kinase B; plus strand). Cytogenetic location: 15q15.1.
Variant type: single nucleotide variant.
Coding change: c.1886A>C on transcript NM_001211.6 (MANE Select); coding-DNA position 1886, A replaced by C.
Protein change: p.Lys629Thr; replaces lysine 629 with threonine.
Molecular consequence: missense variant.
Genome position (GRCh38, 1-based): chr15:40,206,335, A>C. VCF-style: chr15-40206335-A-C. GRCh37 (hg19) VCF-style: chr15-40498536-A-C.
Other names: short protein forms K629T.
Identifiers: ClinVar variation 4600646 (VCV004600646.1).